The following is an entry in ClinVar:

NM_001013703.4(EIF2AK4):c.964G>A (p.Gly322Ser)

Gene: EIF2AK4 (eukaryotic translation initiation factor 2 alpha kinase 4; plus strand). Cytogenetic location: 15q15.1.
Variant type: single nucleotide variant.
Coding change: c.964G>A on transcript NM_001013703.4 (MANE Select); coding-DNA position 964, G replaced by A.
Protein change: p.Gly322Ser; replaces glycine 322 with serine.
Molecular consequence: missense variant.
Genome position (GRCh38, 1-based): chr15:39,965,790, G>A. VCF-style: chr15-39965790-G-A. GRCh37 (hg19) VCF-style: chr15-40257991-G-A.
Other names: short protein forms G322S.
Identifiers: ClinVar variation 2633593 (VCV002633593.1), dbSNP rs1323575344, ClinGen allele CA391677773.
Genomic context (GRCh38, chr15:39,965,790, plus strand): 5'-ACAGCCACTGGTGGCTTTGTCTTGTTGTATGAGTGGGTCCTTCAGTGGCAGAAAAAAATG[G>A]GTCCATTCCTTACCAGTCAAGAAAAAGAGAAGATTGATAAGTGCAAAAAGCAGGTAAGCA-3'
Protein context (NP_001013725.2, residues 312-332): EWVLQWQKKM[Gly322Ser]PFLTSQEKEK

ClinVar aggregate classification (germline): Uncertain significance (1 of 4 stars; one submission).

Conditions:
EIF2AK4-related disorder. Also called: EIF2AK4-related condition.

Allele frequency attached by ClinVar (database versions not stated): gnomAD 0.00001; TOPMed 0.00001.
gnomAD v4.1: 1 of 1,613,906 alleles (0.000062%); highest among the groups gnomAD compares: African/African-American, 0.0013%; no homozygotes.

Submission:

PreventionGenetics, part of Exact Sciences
Classification: Uncertain significance for EIF2AK4-related condition. Last evaluated: 2023-04-07. Review status: criteria provided, single submitter. Criteria: ACMG Guidelines, 2015. Collection method: clinical testing. Allele origin: germline.
Comment: The EIF2AK4 c.964G>A variant is predicted to result in the amino acid substitution p.Gly322Ser. To our knowledge, this variant has not been reported in the literature or in a large population database, indicating this variant is rare. At this time, the clinical significance of this variant is uncertain due to the absence of conclusive functional and genetic evidence.